The following is an entry in ClinVar:

NM_017686.4(GDAP2):c.1410T>C (p.Ile470=)

Gene: GDAP2 (ganglioside induced differentiation associated protein 2; minus strand). Cytogenetic location: 1p12.
Variant type: single nucleotide variant.
Coding change: c.1410T>C on transcript NM_017686.4 (MANE Select); coding-DNA position 1410, T replaced by C.
Protein change: p.Ile470=; no amino-acid change (isoleucine 470 retained).
Molecular consequence: synonymous variant.
Genome position (GRCh38, 1-based): chr1:117,878,045, A>G on the plus strand (T>C on the coding strand, the complement: GDAP2 is on the minus strand). VCF-style: chr1-117878045-A-G. GRCh37 (hg19) VCF-style: chr1-118420667-A-G.
Other names: c.1410T>C, p.Ile470= (NM_001135589.3).
Identifiers: ClinVar variation 4875262 (VCV004875262.2).

ClinVar aggregate classification (germline): Likely benign (1 of 4 stars; one submission).

Submission:

CeGaT Center for Human Genetics Tuebingen
Classification: Likely benign. Last evaluated: 2026-06-01. Review status: criteria provided, single submitter. Criteria: CeGaT Center For Human Genetics Tuebingen Variant Classification Criteria Version 2. Collection method: clinical testing. Allele origin: germline. Affected: yes. Observed: 1 variant allele.
Comment: GDAP2: PM2:Supporting, BP4, BP7